The following is an entry in ClinVar:

NM_001004334.4(GPR179):c.4046C>T (p.Ala1349Val)

Gene: GPR179 (G protein-coupled receptor 179; minus strand). Cytogenetic location: 17q12.
Variant type: single nucleotide variant.
Coding change: c.4046C>T on transcript NM_001004334.4 (MANE Select); coding-DNA position 4046, C replaced by T.
Protein change: p.Ala1349Val; replaces alanine 1349 with valine.
Molecular consequence: missense variant.
Genome position (GRCh38, 1-based): chr17:38,329,523, G>A on the plus strand (C>T on the coding strand, the complement: GPR179 is on the minus strand). VCF-style: chr17-38329523-G-A. GRCh37 (hg19) VCF-style: chr17-36485406-G-A.
Other names: short protein forms A1349V.
Identifiers: ClinVar variation 1988916 (VCV001988916.2), dbSNP rs200212196, ClinGen allele CA290104456.
Genomic context (GRCh38, chr17:38,329,523, plus strand): 5'-TCTGGGCCAGCAGCTTCCCACCCAGGCTTCTCCACCTTCCTGGCCTCCACACTGTCCCCC[G>A]CCTCAGATTTGTCTCTGATTCTGCCAGGGTCCTGAGGAGCTGACCCAGGGGACAGACCTC-3'
Protein context (NP_001004334.3, residues 1339-1359): DPGRIRDKSE[Ala1349Val]GDSVEARKVE

ClinVar aggregate classification (germline): Conflicting classifications of pathogenicity. Review status: criteria provided, conflicting classifications (1 of 4 stars). 2 submissions from 2 submitters: Uncertain significance (1); Likely benign (1). Last evaluated 2024-11-21.

Allele frequency attached by ClinVar (database versions not stated): gnomAD 0.00005; gnomAD exomes 0.00006; ExAC 0.00009; 1000 Genomes Project 30x 0.00016; 1000 Genomes Project 0.00020.
gnomAD v4.1: 93 of 1,613,908 alleles (0.0058%); highest among the groups gnomAD compares: Middle Eastern, 0.016%; no homozygotes.

Submissions (2):

Blueprint Genetics
Classification: Likely benign. Last evaluated: 2024-11-21. Review status: criteria provided, single submitter. Criteria: ACMG Guidelines, 2015. Collection method: clinical testing. Allele origin: germline.

Labcorp Genetics (formerly Invitae), Labcorp
Classification: Uncertain significance. Last evaluated: 2022-07-27. Review status: criteria provided, single submitter. Criteria: Invitae Variant Classification Sherloc (09022015). Collection method: clinical testing. Allele origin: germline.
Comment: This sequence change replaces alanine, which is neutral and non-polar, with valine, which is neutral and non-polar, at codon 1349 of the GPR179 protein (p.Ala1349Val). This variant is present in population databases (rs200212196, gnomAD 0.01%). This variant has not been reported in the literature in individuals affected with GPR179-related conditions. Algorithms developed to predict the effect of missense changes on protein structure and function output the following: SIFT: "Tolerated"; PolyPhen-2: "Benign"; Align-GVGD: "Class C0". The valine amino acid residue is found in multiple mammalian species, which suggests that this missense change does not adversely affect protein function. In summary, the available evidence is currently insufficient to determine the role of this variant in disease. Therefore, it has been classified as a Variant of Uncertain Significance.